The following is an entry in ClinVar:

NM_000836.4(GRIN2D):c.3081C>T (p.Phe1027=)

Gene: GRIN2D (glutamate ionotropic receptor NMDA type subunit 2D; plus strand). Cytogenetic location: 19q13.33.
Variant type: single nucleotide variant.
Coding change: c.3081C>T on transcript NM_000836.4 (MANE Select); coding-DNA position 3081, C replaced by T.
Protein change: p.Phe1027=; no amino-acid change (phenylalanine 1027 retained).
Molecular consequence: synonymous variant.
Genome position (GRCh38, 1-based): chr19:48,443,007, C>T. VCF-style: chr19-48443007-C-T. GRCh37 (hg19) VCF-style: chr19-48946264-C-T.
Identifiers: ClinVar variation 1593716 (VCV001593716.21), dbSNP rs779553417, ClinGen allele CA9550813.

ClinVar aggregate classification (germline): Likely benign. Review status: criteria provided, multiple submitters, no conflicts (2 of 4 stars). 2 submissions from 2 submitters: Likely benign (2). Last evaluated 2025-11-03.

Allele frequency attached by ClinVar (database versions not stated): gnomAD exomes 0.00011; TOPMed 0.00012; gnomAD 0.00017 and 0.00018.
gnomAD v4.1: 40 of 1,078,690 alleles (0.0037%); highest among the groups gnomAD compares: African/African-American, 0.048%; no homozygotes.

Submissions (2):

Labcorp Genetics (formerly Invitae), Labcorp
Classification: Likely benign. Last evaluated: 2025-11-03. Review status: criteria provided, single submitter. Criteria: Invitae Variant Classification Sherloc (09022015). Collection method: clinical testing. Allele origin: germline.

CeGaT Center for Human Genetics Tuebingen
Classification: Likely benign. Last evaluated: 2025-02-01. Review status: criteria provided, single submitter. Criteria: CeGaT Center For Human Genetics Tuebingen Variant Classification Criteria Version 2. Collection method: clinical testing. Allele origin: germline. Affected: yes. Observed: 1 variant allele.
Comment: GRIN2D: BP4, BP7